The following is an entry in ClinVar:

ClinVar aggregate classification (germline): Conflicting classifications of pathogenicity. Review status: criteria provided, conflicting classifications (1 of 4 stars). 2 submissions from 2 submitters: Uncertain significance (1); Benign (1). Last evaluated 2025-12-16.

Conditions:
Familial thoracic aortic aneurysm and aortic dissection (TAAD). Also called: Thoracic aortic aneurysms and dissections. Identifiers: Orphanet 91387, MedGen C4707243, MONDO:0019625.
Ehlers-Danlos syndrome, classic type, 1 (EDSCL1). Also called: EHLERS-DANLOS SYNDROME, GRAVIS TYPE; EHLERS-DANLOS SYNDROME, SEVERE CLASSIC TYPE; Ehlers-Danlos syndrome, type 1; Ehlers-Danlos Syndrome, Classic Type, COL5A1-Related; EDS I. Identifiers: MedGen C0268335, MONDO:0019567, OMIM 130000.

gnomAD v4.1: 7 of 1,614,224 alleles (0.00043%); highest among the groups gnomAD compares: South Asian, 0.0077%; no homozygotes.

Submissions (2):

Ambry Genetics
Classification: Uncertain significance for Familial thoracic aortic aneurysm and aortic dissection. Last evaluated: 2025-12-16. Review status: criteria provided, single submitter. Criteria: Ambry Variant Classification Scheme 2023. Collection method: clinical testing. Allele origin: germline.
Comment: The p.G396D variant (also known as c.1187G>A), located in coding exon 8 of the COL5A1 gene, results from a G to A substitution at nucleotide position 1187. The glycine at codon 396 is replaced by aspartic acid, an amino acid with similar properties. This amino acid position is conserved. In addition, this alteration is predicted to be tolerated by in silico analysis. Based on the available evidence, the clinical significance of this variant remains unclear.

Labcorp Genetics (formerly Invitae), Labcorp
Classification: Benign for Ehlers-Danlos syndrome, classic type, 1. Last evaluated: 2025-07-13. Review status: criteria provided, single submitter. Criteria: Invitae Variant Classification Sherloc (09022015). Collection method: clinical testing. Allele origin: germline.

NM_000093.5(COL5A1):c.1187G>A (p.Gly396Asp)

Gene: COL5A1 (collagen type V alpha 1 chain; plus strand). Cytogenetic location: 9q34.3.
Variant type: single nucleotide variant.
Coding change: c.1187G>A on transcript NM_000093.5 (MANE Select); coding-DNA position 1187, G replaced by A.
Protein change: p.Gly396Asp; replaces glycine 396 with aspartic acid.
Molecular consequence: missense variant.
Genome position (GRCh38, 1-based): chr9:134,731,518, G>A. VCF-style: chr9-134731518-G-A. GRCh37 (hg19) VCF-style: chr9-137623364-G-A.
Other names: c.1187G>A, p.Gly396Asp (NM_001278074.1); c.1187G>A (NM_000093.3); short protein forms G396D.
Identifiers: ClinVar variation 4691526 (VCV004691526.2).